The following is an entry in ClinVar:

ClinVar aggregate classification (germline): Uncertain significance. Review status: criteria provided, multiple submitters, no conflicts (2 of 4 stars). 2 submissions from 2 submitters: Uncertain significance (2). Last evaluated 2024-11-25.

Allele frequency attached by ClinVar (database versions not stated): TOPMed below 0.00001; gnomAD 0.00001; 1000 Genomes Project 0.00040; 1000 Genomes Project 30x 0.00031.
gnomAD v4.1: 22 of 1,579,986 alleles (0.0014%); highest among the groups gnomAD compares: Middle Eastern, 0.1%; no homozygotes.

Submissions (2):

GeneDx
Classification: Uncertain significance. Last evaluated: 2024-11-25. Review status: criteria provided, single submitter. Criteria: GeneDx Variant Classification Process June 2021. Collection method: clinical testing. Allele origin: germline. Affected: yes.
Comment: Not observed at significant frequency in large population cohorts (gnomAD); In silico analysis indicates that this missense variant does not alter protein structure/function; Has not been previously published as pathogenic or benign to our knowledge

Labcorp Genetics (formerly Invitae), Labcorp
Classification: Uncertain significance. Last evaluated: 2022-07-31. Review status: criteria provided, single submitter. Criteria: Invitae Variant Classification Sherloc (09022015). Collection method: clinical testing. Allele origin: germline.
Comment: This sequence change replaces alanine, which is neutral and non-polar, with glycine, which is neutral and non-polar, at codon 831 of the LTBP4 protein (p.Ala831Gly). This variant is present in population databases (rs532233295, gnomAD 0.003%). This variant has not been reported in the literature in individuals affected with LTBP4-related conditions. Experimental studies and prediction algorithms are not available or were not evaluated, and the functional significance of this variant is currently unknown. In summary, the available evidence is currently insufficient to determine the role of this variant in disease. Therefore, it has been classified as a Variant of Uncertain Significance.

NM_001042545.2(LTBP4):c.2402C>G (p.Ala801Gly)

Gene: LTBP4 (latent transforming growth factor beta binding protein 4; plus strand). Cytogenetic location: 19q13.2.
Variant type: single nucleotide variant.
Coding change: c.2402C>G on transcript NM_001042545.2 (MANE Select); coding-DNA position 2402, C replaced by G.
Protein change: p.Ala801Gly; replaces alanine 801 with glycine.
Molecular consequence: missense variant.
Genome position (GRCh38, 1-based): chr19:40,613,167, C>G. VCF-style: chr19-40613167-C-G. GRCh37 (hg19) VCF-style: chr19-41119073-C-G.
Other names: c.2603C>G, p.Ala868Gly (NM_001042544.1); c.2492C>G, p.Ala831Gly (NM_003573.2); short protein forms A831G, A868G, A801G.
Identifiers: ClinVar variation 1908997 (VCV001908997.3), dbSNP rs532233295, ClinGen allele CA9448651.
Genomic context (GRCh38, chr19:40,613,167, plus strand): 5'-ACGGCCACTGCACTAACACCGAAGGCTCCTTCCGCTGCAGCTGCGCGCCAGGCTACCGGG[C>G]GCCGTCGGGTCGGCCCGGGCCCTGCGCAGGTGAGCAGCATAGGGACCCGCCAGAGAGTCT-3'
Protein context (NP_001036010.1, residues 791-811): FRCSCAPGYR[Ala801Gly]PSGRPGPCAD